The following is an entry in ClinVar:

NM_001384474.1(LOXHD1):c.5357A>G (p.Asn1786Ser)

Gene: LOXHD1 (lipoxygenase homology PLAT domains 1; minus strand). Cytogenetic location: 18q21.1.
Variant type: single nucleotide variant.
Coding change: c.5357A>G on transcript NM_001384474.1 (MANE Select); coding-DNA position 5357, A replaced by G.
Protein change: p.Asn1786Ser; replaces asparagine 1786 with serine.
Molecular consequence: missense variant.
Genome position (GRCh38, 1-based): chr18:46,518,171, T>C on the plus strand (A>G on the coding strand, the complement: LOXHD1 is on the minus strand). VCF-style: chr18-46518171-T-C. GRCh37 (hg19) VCF-style: chr18-44098134-T-C.
Other names: c.2024A>G, p.Asn675Ser (NM_001145472.3); c.74A>G, p.Asn25Ser (NM_001145473.3, NM_001173129.2); c.1736A>G, p.Asn579Ser (NM_001308013.2); c.5171A>G, p.Asn1724Ser (NM_144612.7); short protein forms N1724S, N25S, N579S, N675S, N1786S.
Identifiers: ClinVar variation 504972 (VCV000504972.9), dbSNP rs192929296, ClinGen allele CA299799664.

ClinVar aggregate classification (germline): Uncertain significance. Review status: criteria provided, multiple submitters, no conflicts (2 of 4 stars). 5 submissions from 5 submitters: Uncertain significance (4). 1 of the submissions does not count toward it. Last evaluated 2024-06-18.

Conditions:
Inborn genetic diseases. Identifiers: MedGen C0950123, MeSH D030342.
Autosomal recessive nonsyndromic hearing loss 77. Identifiers: Orphanet 90636, MedGen C2746083, MONDO:0013119, OMIM 613079.

Allele frequency attached by ClinVar (database versions not stated): gnomAD 0.00005; gnomAD exomes 0.00008 and 0.00020; TOPMed 0.00008; 1000 Genomes Project 30x 0.00016; 1000 Genomes Project 0.00020.
gnomAD v4.1: 50 of 1,551,694 alleles (0.0032%); highest among the groups gnomAD compares: Admixed American, 0.086%; no homozygotes.

Submissions (5):

Ambry Genetics
Classification: Uncertain significance for Inborn genetic diseases. Last evaluated: 2024-06-18. Review status: criteria provided, single submitter. Criteria: Ambry Variant Classification Scheme 2023. Collection method: clinical testing. Allele origin: germline.

Labcorp Genetics (formerly Invitae), Labcorp
Classification: Uncertain significance. Last evaluated: 2022-07-05. Review status: criteria provided, single submitter. Criteria: Invitae Variant Classification Sherloc (09022015). Collection method: clinical testing. Allele origin: germline.
Comment: This sequence change replaces asparagine, which is neutral and polar, with serine, which is neutral and polar, at codon 1724 of the LOXHD1 protein (p.Asn1724Ser). This variant is present in population databases (rs192929296, gnomAD 0.1%). This variant has not been reported in the literature in individuals affected with LOXHD1-related conditions. ClinVar contains an entry for this variant (Variation ID: 504972). Algorithms developed to predict the effect of missense changes on protein structure and function are either unavailable or do not agree on the potential impact of this missense change (SIFT: "Tolerated"; PolyPhen-2: "Possibly Damaging"; Align-GVGD: "Class C0"). Algorithms developed to predict the effect of sequence changes on RNA splicing suggest that this variant may create or strengthen a splice site. In summary, the available evidence is currently insufficient to determine the role of this variant in disease. Therefore, it has been classified as a Variant of Uncertain Significance.

Laboratory for Molecular Medicine, Mass General Brigham Personalized Medicine
Classification: Uncertain significance. Last evaluated: 2016-04-21. Review status: criteria provided, single submitter. Criteria: LMM Criteria. Collection method: clinical testing. Allele origin: germline. Observed: 1 variant allele.
Comment: The p.Asn1724Ser variant in LOXHD1 has not been previously reported in individua ls with hearing loss, but it has been identified in 1/128 Mexican ancestry chrom osomes by the 1000 Genomes Project (dbSNP rs192929296). Although this variant ha s been seen in the general population, its frequency is not high enough to rule out a pathogenic role. Computational prediction tools and conservation analyses suggest that the p.Asn1724Ser variant may not impact the protein, though this in formation is not predictive enough to rule out pathogenicity. In summary, the cl inical significance of the p.Asn1724Ser variant is uncertain.

Breakthrough Genomics
Classification: Uncertain significance. Review status: criteria provided, single submitter. Criteria: ACMG Guidelines, 2015. Collection method: not provided. Allele origin: germline. Inheritance: Autosomal recessive inheritance. Affected: yes.

Natera, Inc.
Classification: Uncertain significance for Autosomal recessive deafness type 77. Last evaluated: 2019-10-28. Review status: no assertion criteria provided. Collection method: clinical testing. Allele origin: germline. Not counted in ClinVar's aggregate classification.